The following is an entry in ClinVar:

ClinVar aggregate classification (germline): Uncertain significance (1 of 4 stars; one submission).

Submission:

Labcorp Genetics (formerly Invitae), Labcorp
Classification: Uncertain significance. Last evaluated: 2022-03-18. Review status: criteria provided, single submitter. Criteria: Invitae Variant Classification Sherloc (09022015). Collection method: clinical testing. Allele origin: germline.
Comment: This sequence change replaces alanine, which is neutral and non-polar, with glycine, which is neutral and non-polar, at codon 309 of the STAG1 protein (p.Ala309Gly). This variant is not present in population databases (gnomAD no frequency). This variant has not been reported in the literature in individuals affected with STAG1-related conditions. Advanced modeling of protein sequence and biophysical properties (such as structural, functional, and spatial information, amino acid conservation, physicochemical variation, residue mobility, and thermodynamic stability) performed at Invitae indicates that this missense variant is expected to disrupt STAG1 protein function. In summary, the available evidence is currently insufficient to determine the role of this variant in disease. Therefore, it has been classified as a Variant of Uncertain Significance.

NM_005862.3(STAG1):c.926C>G (p.Ala309Gly)

Gene: STAG1 (STAG1 cohesin complex component; minus strand). Cytogenetic location: 3q22.3.
Variant type: single nucleotide variant.
Coding change: c.926C>G on transcript NM_005862.3 (MANE Select); coding-DNA position 926, C replaced by G.
Protein change: p.Ala309Gly; replaces alanine 309 with glycine.
Molecular consequence: missense variant.
Genome position (GRCh38, 1-based): chr3:136,477,389, G>C on the plus strand (C>G on the coding strand, the complement: STAG1 is on the minus strand). VCF-style: chr3-136477389-G-C. GRCh37 (hg19) VCF-style: chr3-136196231-G-C.
Other names: short protein forms A309G.
Identifiers: ClinVar variation 2113948 (VCV002113948.4), dbSNP rs2530697045, ClinGen allele CA354652912.